The following is an entry in ClinVar:

NM_017671.5(FERMT1):c.891G>C (p.Arg297Ser)

Gene: FERMT1 (FERM domain containing kindlin 1; minus strand). Cytogenetic location: 20p12.3.
Variant type: single nucleotide variant.
Coding change: c.891G>C on transcript NM_017671.5 (MANE Select); coding-DNA position 891, G replaced by C.
Protein change: p.Arg297Ser; replaces arginine 297 with serine.
Molecular consequence: missense variant.
Genome position (GRCh38, 1-based): chr20:6,097,590, C>G on the plus strand (G>C on the coding strand, the complement: FERMT1 is on the minus strand). VCF-style: chr20-6097590-C-G. GRCh37 (hg19) VCF-style: chr20-6078237-C-G.
Other names: short protein forms R297S.
Identifiers: ClinVar variation 2835903 (VCV002835903.3), dbSNP rs755514830, ClinGen allele CA408183348.

ClinVar aggregate classification (germline): Uncertain significance (1 of 4 stars; one submission).

Submission:

Labcorp Genetics (formerly Invitae), Labcorp
Classification: Uncertain significance. Last evaluated: 2023-02-27. Review status: criteria provided, single submitter. Criteria: Invitae Variant Classification Sherloc (09022015). Collection method: clinical testing. Allele origin: germline.
Comment: Advanced modeling of protein sequence and biophysical properties (such as structural, functional, and spatial information, amino acid conservation, physicochemical variation, residue mobility, and thermodynamic stability) performed at Invitae indicates that this missense variant is expected to disrupt FERMT1 protein function. In summary, the available evidence is currently insufficient to determine the role of this variant in disease. Therefore, it has been classified as a Variant of Uncertain Significance. This variant has not been reported in the literature in individuals affected with FERMT1-related conditions. This variant is not present in population databases (gnomAD no frequency). This sequence change replaces arginine, which is basic and polar, with serine, which is neutral and polar, at codon 297 of the FERMT1 protein (p.Arg297Ser).